The following is an entry in ClinVar:

NM_000093.5(COL5A1):c.4818C>T (p.Asp1606=)

Genes: COL5A1 (collagen type V alpha 1 chain; plus strand), LOC101448202 (uncharacterized LOC101448202; minus strand). Cytogenetic location: 9q34.3.
Variant type: single nucleotide variant.
Coding change: c.4818C>T on transcript NM_000093.5 (MANE Select); coding-DNA position 4818, C replaced by T.
Protein change: p.Asp1606=; no amino-acid change (aspartic acid 1606 retained).
Molecular consequence: synonymous variant.
Genome position (GRCh38, 1-based): chr9:134,824,719, C>T. VCF-style: chr9-134824719-C-T. GRCh37 (hg19) VCF-style: chr9-137716565-C-T.
Other names: c.4818C>T, p.Asp1606= (NM_001278074.1).
Identifiers: ClinVar variation 760363 (VCV000760363.60), dbSNP rs190912679, ClinGen allele CA5320486.

ClinVar aggregate classification (germline): Conflicting classifications of pathogenicity. Review status: criteria provided, conflicting classifications (1 of 4 stars). 6 submissions from 6 submitters: Uncertain significance (1); Benign (1); Likely benign (4). Last evaluated 2026-04-06.

Conditions:
Ehlers-Danlos syndrome, classic type, 1 (EDSCL1). Also called: Ehlers-Danlos Syndrome, Classic Type, COL5A1-Related; EDS I; EHLERS-DANLOS SYNDROME, GRAVIS TYPE; EHLERS-DANLOS SYNDROME, SEVERE CLASSIC TYPE; Ehlers-Danlos syndrome, type 1. Identifiers: MedGen C0268335, MONDO:0019567, OMIM 130000.
Ehlers-Danlos syndrome, classic type (cEDS). Identifiers: Orphanet 287, MedGen C4225429, MONDO:0007522.
Familial thoracic aortic aneurysm and aortic dissection (TAAD). Also called: Thoracic aortic aneurysms and dissections. Identifiers: Orphanet 91387, MedGen C4707243, MONDO:0019625.

Allele frequency attached by ClinVar (database versions not stated): gnomAD 0.00004 and 0.00005; ExAC 0.00005; gnomAD exomes 0.00005; TOPMed 0.00006; ESP Exome Variant Server 0.00008; 1000 Genomes Project 0.00020; 1000 Genomes Project 30x 0.00047.
gnomAD v4.1: 77 of 1,614,202 alleles (0.0048%); highest among the groups gnomAD compares: Middle Eastern, 0.016%; no homozygotes.

Submissions (6):

Women's Health and Genetics/Laboratory Corporation of America, LabCorp
Classification: Benign. Last evaluated: 2026-04-06. Review status: criteria provided, single submitter. Criteria: LabCorp Variant Classification Summary - May 2015. Collection method: clinical testing. Allele origin: germline.

Labcorp Genetics (formerly Invitae), Labcorp
Classification: Likely benign for Ehlers-Danlos syndrome, classic type, 1. Last evaluated: 2025-12-23. Review status: criteria provided, single submitter. Criteria: Invitae Variant Classification Sherloc (09022015). Collection method: clinical testing. Allele origin: germline.

Blueprint Genetics
Classification: Likely benign. Last evaluated: 2024-11-01. Review status: criteria provided, single submitter. Criteria: ACMG Guidelines, 2015. Collection method: clinical testing. Allele origin: germline.

Ambry Genetics
Classification: Likely benign for Familial thoracic aortic aneurysm and aortic dissection. Last evaluated: 2020-12-15. Review status: criteria provided, single submitter. Criteria: Ambry Variant Classification Scheme 2023. Collection method: clinical testing. Allele origin: germline.

Illumina Laboratory Services, Illumina
Classification: Likely benign for Ehlers-Danlos syndrome, classic type, 1. Last evaluated: 2018-01-12. Review status: criteria provided, single submitter. Criteria: ICSL Variant Classification Criteria 13 December 2019. Collection method: clinical testing. Allele origin: germline.
Comment: This variant was observed in the ICSL laboratory as part of a predisposition screen in an ostensibly healthy population. It had not been previously curated by ICSL or reported in the Human Gene Mutation Database (HGMD: prior to June 1st, 2018), and was therefore a candidate for classification through an automated scoring system. Utilizing variant allele frequency, disease prevalence and penetrance estimates, and inheritance mode, an automated score was calculated to assess if this variant is too frequent to cause the disease. Based on the score and internal cut-off values, a variant classified as likely benign is not then subjected to further curation. The score for this variant resulted in a classification of likely benign for this disease.

CeGaT Center for Human Genetics Tuebingen
Classification: Uncertain significance. Last evaluated: 2016-06-01. Review status: criteria provided, single submitter. Criteria: CeGaT Center For Human Genetics Tuebingen Variant Classification Criteria Version 2. Collection method: clinical testing. Allele origin: germline. Affected: yes. Observed: 1 variant allele.